The following is an entry in ClinVar:

ClinVar aggregate classification (germline): Pathogenic (1 of 4 stars; one submission).

Conditions:
Severe combined immunodeficiency due to DCLRE1C deficiency (RS-SCID). Also called: SCID, AUTOSOMAL RECESSIVE, T CELL-NEGATIVE, B CELL-NEGATIVE, NK CELL-POSITIVE, WITH SENSITIVITY TO IONIZING RADIATION. Identifiers: Orphanet 275, MedGen C1865371, MONDO:0011225, OMIM 602450.

Submission:

Labcorp Genetics (formerly Invitae), Labcorp
Classification: Pathogenic for Athabaskan severe combined immunodeficiency. Last evaluated: 2022-06-20. Review status: criteria provided, single submitter. Criteria: Invitae Variant Classification Sherloc (09022015). Collection method: clinical testing. Allele origin: germline.
Comment: This sequence change creates a premature translational stop signal (p.Tyr407*) in the DCLRE1C gene. While this is not anticipated to result in nonsense mediated decay, it is expected to disrupt the last 286 amino acid(s) of the DCLRE1C protein. This variant is not present in population databases (gnomAD no frequency). This variant has not been reported in the literature in individuals affected with DCLRE1C-related conditions. This variant disrupts a region of the DCLRE1C protein in which other variant(s) (p.Cys436*) have been determined to be pathogenic (PMID: 20674517, 22527898, 25917813, 29167666). This suggests that this is a clinically significant region of the protein, and that variants that disrupt it are likely to be disease-causing. For these reasons, this variant has been classified as Pathogenic.

Literature cited by the submitters: PubMed 20674517; PubMed 22527898; PubMed 25917813; PubMed 29167666.

NM_001033855.3(DCLRE1C):c.1221C>G (p.Tyr407Ter)

Gene: DCLRE1C (DNA cross-link repair 1C; minus strand). Cytogenetic location: 10p13.
Variant type: single nucleotide variant.
Coding change: c.1221C>G on transcript NM_001033855.3 (MANE Select); coding-DNA position 1221, C replaced by G.
Protein change: p.Tyr407Ter; replaces tyrosine 407 with a stop codon.
Molecular consequence: nonsense. On other transcripts: non-coding transcript variant (4).
Genome position (GRCh38, 1-based): chr10:14,909,266, G>C on the plus strand (C>G on the coding strand, the complement: DCLRE1C is on the minus strand). VCF-style: chr10-14909266-G-C. GRCh37 (hg19) VCF-style: chr10-14951265-G-C.
Other names: c.861C>G, p.Tyr287Ter (NM_001033857.3, NM_001033858.3, NM_001289077.2 and 2 more transcripts); c.876C>G, p.Tyr292Ter (NM_001289076.2, NM_001289078.2, NM_001350966.2 and 1 more transcripts); c.1221C>G, p.Tyr407Ter (NM_001350965.2); short protein forms Y287*, Y407*, Y292*.
Identifiers: ClinVar variation 1452422 (VCV001452422.8), dbSNP rs1296189593, ClinGen allele CA376076696.
Genomic context (GRCh38, chr10:14,909,266, plus strand): 5'-TTCAGGCTGCTTTTCTGATACTGCAGTCATTGAAAATACCTCAGGGTGAAAAGTTTCCGG[G>C]TATGGAACTTTGTGCCTTAAAGGTATTGGCAGAGGATCATCAAAGAGATAGTCATCTTCC-3'